The following is an entry in ClinVar:

ClinVar aggregate classification (germline): Benign. Review status: criteria provided, multiple submitters, no conflicts (2 of 4 stars). 4 submissions from 4 submitters: Benign (4). Last evaluated 2026-01-10.

Conditions:
Amyotrophic neuralgia (HNA). Also called: AMYOTROPHY, HEREDITARY NEURALGIC; Hereditary Brachial Plexus Neuropathy; Neuritis with Brachial Predilection; AMYOTROPHY, HEREDITARY NEURALGIC, WITH PREDILECTION FOR BRACHIAL PLEXUS. Identifiers: Orphanet 2901, MedGen C1834304, MONDO:0008076, OMIM 162100.

Allele frequency attached by ClinVar (database versions not stated): gnomAD 0.00007; gnomAD exomes 0.00012 and 0.00064; TOPMed 0.00022; ExAC 0.00053.
gnomAD v4.1: 181 of 1,612,920 alleles (0.011%); highest among the groups gnomAD compares: Admixed American, 0.3%; 2 homozygotes.

Submissions (4):

Labcorp Genetics (formerly Invitae), Labcorp
Classification: Benign. Last evaluated: 2026-01-10. Review status: criteria provided, single submitter. Criteria: Invitae Variant Classification Sherloc (09022015). Collection method: clinical testing. Allele origin: germline.

Genome-Nilou Lab
Classification: Benign for Amyotrophic neuralgia. Last evaluated: 2021-12-05. Review status: criteria provided, single submitter. Criteria: ACMG Guidelines, 2015. Collection method: clinical testing. Allele origin: germline. Affected: no.

GeneDx
Classification: Benign. Last evaluated: 2020-10-20. Review status: criteria provided, single submitter. Criteria: GeneDx Variant Classification Process June 2021. Collection method: clinical testing. Allele origin: germline. Affected: yes.

Illumina Laboratory Services, Illumina
Classification: Benign for Amyotrophy, hereditary neuralgic. Last evaluated: 2018-01-12. Review status: criteria provided, single submitter. Criteria: ICSL Variant Classification Criteria 13 December 2019. Collection method: clinical testing. Allele origin: germline.
Comment: This variant was observed in the ICSL laboratory as part of a predisposition screen in an ostensibly healthy population. It had not been previously curated by ICSL or reported in the Human Gene Mutation Database (HGMD: prior to June 1st, 2018), and was therefore a candidate for classification through an automated scoring system. Utilizing variant allele frequency, disease prevalence and penetrance estimates, and inheritance mode, an automated score was calculated to assess if this variant is too frequent to cause the disease. Based on the score and internal cut-off values, a variant classified as benign is not then subjected to further curation. The score for this variant resulted in a classification of benign for this disease.

NM_001113491.2(SEPTIN9):c.277G>T (p.Val93Leu)

Gene: SEPTIN9 (septin 9; plus strand). Cytogenetic location: 17q25.3.
Variant type: single nucleotide variant.
Coding change: c.277G>T on transcript NM_001113491.2 (MANE Select); coding-DNA position 277, G replaced by T.
Protein change: p.Val93Leu; replaces valine 93 with leucine.
Molecular consequence: missense variant. On other transcripts: 5 prime UTR variant (2).
Genome position (GRCh38, 1-based): chr17:77,402,259, G>T. VCF-style: chr17-77402259-G-T. GRCh37 (hg19) VCF-style: chr17-75398341-G-T.
Other names: c.-216G>T (NM_001113492.2, NM_001113494.1); c.256G>T, p.Val86Leu (NM_001113493.2); c.220G>T, p.Val74Leu (NM_001293695.2); c.223G>T, p.Val75Leu (NM_006640.5); short protein forms V75L, V86L, V74L, V93L.
Identifiers: ClinVar variation 325541 (VCV000325541.15), dbSNP rs774560543, ClinGen allele CA8793162.